The following is an entry in ClinVar:

ClinVar aggregate classification (germline): Benign (1 of 4 stars; one submission).

Submission:

GeneDx
Classification: Benign. Last evaluated: 2018-06-16. Review status: criteria provided, single submitter. Criteria: GeneDx Variant Classification (06012015). Collection method: clinical testing. Allele origin: germline. Affected: yes.
Comment: This variant is considered likely benign or benign based on one or more of the following criteria: it is a conservative change, it occurs at a poorly conserved position in the protein, it is predicted to be benign by multiple in silico algorithms, and/or has population frequency not consistent with disease.

NM_001386795.1(DTNA):c.1002-2635_1002-2631del

Gene: DTNA (dystrobrevin alpha; plus strand). Cytogenetic location: 18q12.1.
Variant type: Deletion.
Coding change: c.1002-2635_1002-2631del on transcript NM_001386795.1 (MANE Select); 2635 bases into the intron before coding-DNA position 1002 through 2631 bases into the intron before coding-DNA position 1002, 5 bases deleted (ATCAA; older notation c.1002-2635_1002-2631delATCAA).
Molecular consequence: intron variant.
Genome position (GRCh38, 1-based): chr18:34,824,958-34,824,962, ATCAA deleted; deleting any 5 consecutive bases within chr18:34,824,956-34,824,962 gives the same sequence; the c. name uses the placement nearest the transcript's 3' end. VCF-style (leftmost placement, unchanged base first): chr18-34824955-TAAATC-T. GRCh37 (hg19) VCF-style: chr18-32404919-TAAATC-T.
Other names: c.1002-309_1002-305del (NM_032975.4, NM_001386761.1, NM_001386762.1 and 5 more transcripts); c.1002-2635_1002-2631del (NM_001386754.1, NM_001386755.1, NM_001386760.1 and 26 more transcripts); c.603+12845_603+12849del (NM_001198945.2); c.252-2635_252-2631del (NM_001198943.1); c.48-2635_48-2631del (NM_001198942.1, NM_001198944.1, NM_032980.4 and 1 more transcripts).
Identifiers: ClinVar variation 671166 (VCV000671166.1), dbSNP rs148188981, ClinGen allele CA297765796.